The following is an entry in ClinVar:

ClinVar aggregate classification (germline): Uncertain significance (1 of 4 stars; one submission).

Submission:

GeneDx
Classification: Uncertain significance. Last evaluated: 2020-11-04. Review status: criteria provided, single submitter. Criteria: GeneDx Variant Classification Process June 2021. Collection method: clinical testing. Allele origin: germline. Affected: yes.
Comment: Not observed in large population cohorts (Lek et al., 2016); In silico analysis supports that this missense variant has a deleterious effect on protein structure/function; Has not been previously published as pathogenic or benign to our knowledge

NM_004959.5(NR5A1):c.197C>T (p.Pro66Leu)

Gene: NR5A1 (nuclear receptor subfamily 5 group A member 1; minus strand). Cytogenetic location: 9q33.3.
Variant type: single nucleotide variant.
Coding change: c.197C>T on transcript NM_004959.5 (MANE Select); coding-DNA position 197, C replaced by T.
Protein change: p.Pro66Leu; replaces proline 66 with leucine.
Molecular consequence: missense variant.
Genome position (GRCh38, 1-based): chr9:124,503,126, G>A on the plus strand (C>T on the coding strand, the complement: NR5A1 is on the minus strand). VCF-style: chr9-124503126-G-A. GRCh37 (hg19) VCF-style: chr9-127265405-G-A.
Other names: short protein forms P66L.
Identifiers: ClinVar variation 1313613 (VCV001313613.2), dbSNP rs2131289746, ClinGen allele CA374890262.
Genomic context (GRCh38, chr9:124,503,126, plus strand): 5'-GCGCGGCGCGCACCTTCCAGGCGCATCCCCACCGTCAGGCATTTCTGGAAGCGGCAGAAG[G>A]GACAGCGCTTGCGCTGCGTCTTGTCGATCTTGCAGCTCTGGCTCTCGGTGCACGTGTAGT-3'
Protein context (NP_004950.2, residues 56-76): KIDKTQRKRC[Pro66Leu]FCRFQKCLTV